The following is an entry in ClinVar:

ClinVar aggregate classification (germline): Likely benign. Review status: criteria provided, multiple submitters, no conflicts (2 of 4 stars). 6 submissions from 6 submitters: Likely benign (6). Last evaluated 2025-12-21.

Conditions:
Cardiovascular phenotype. Identifiers: MedGen CN230736.
Cardiomyopathy (CMYO). Also called: Cardiomyopathies. Identifiers: Orphanet 167848, MedGen C0878544, MONDO:0004994, HP:0001638. Inheritance: Various modes of inheritance.
Hypertrophic cardiomyopathy. Also called: HYPERTROPHIC MYOCARDIOPATHY. Identifiers: Orphanet 217569, MedGen C0007194, MeSH D002312, MONDO:0005045, HP:0001639.

Allele frequency attached by ClinVar (database versions not stated): TOPMed 0.00001; ESP Exome Variant Server 0.00008.
gnomAD v4.1: 29 of 1,613,988 alleles (0.0018%); highest among the groups gnomAD compares: South Asian, 0.0055%; no homozygotes.

Submissions (6):

Labcorp Genetics (formerly Invitae), Labcorp
Classification: Likely benign for Hypertrophic cardiomyopathy. Last evaluated: 2025-12-21. Review status: criteria provided, single submitter. Criteria: Invitae Variant Classification Sherloc (09022015). Collection method: clinical testing. Allele origin: germline.

All of Us Research Program, National Institutes of Health
Classification: Likely benign for Cardiomyopathy. Last evaluated: 2023-12-18. Review status: criteria provided, single submitter. Criteria: ACMG Guidelines, 2015. Collection method: clinical testing. Allele origin: germline. Inheritance: Autosomal dominant inheritance. Observed: 4 variant alleles, 4 heterozygotes.
Comment: This study involves interpretation of variants in research participants for the purpose of population health screening. Participant phenotype was not available at the time of variant classification. Additional details can be found in publication PMID: 35346344, PMCID: PMC8962531

CeGaT Center for Human Genetics Tuebingen
Classification: Likely benign. Last evaluated: 2023-08-01. Review status: criteria provided, single submitter. Criteria: CeGaT Center For Human Genetics Tuebingen Variant Classification Criteria Version 2. Collection method: clinical testing. Allele origin: germline. Affected: yes. Observed: 1 variant allele.
Comment: MYH7: BP4, BP7

Ambry Genetics
Classification: Likely benign for Cardiovascular phenotype. Last evaluated: 2020-12-31. Review status: criteria provided, single submitter. Criteria: Ambry Variant Classification Scheme 2023. Collection method: clinical testing. Allele origin: germline.

Color Diagnostics, LLC DBA Color Health
Classification: Likely benign for Cardiomyopathy. Last evaluated: 2019-03-22. Review status: criteria provided, single submitter. Criteria: ACMG Guidelines, 2015. Collection method: clinical testing. Allele origin: germline.

GeneDx
Classification: Likely benign. Last evaluated: 2018-02-15. Review status: criteria provided, single submitter. Criteria: GeneDx Variant Classification (06012015). Collection method: clinical testing. Allele origin: germline. Affected: yes.
Comment: This variant is considered likely benign or benign based on one or more of the following criteria: it is a conservative change, it occurs at a poorly conserved position in the protein, it is predicted to be benign by multiple in silico algorithms, and/or has population frequency not consistent with disease.

NM_000257.4(MYH7):c.5421C>A (p.Gly1807=)

Gene: MYH7 (myosin heavy chain 7; minus strand). Cytogenetic location: 14q11.2.
Variant type: single nucleotide variant.
Coding change: c.5421C>A on transcript NM_000257.4 (MANE Select); coding-DNA position 5421, C replaced by A.
Protein change: p.Gly1807=; no amino-acid change (glycine 1807 retained).
Molecular consequence: synonymous variant.
Genome position (GRCh38, 1-based): chr14:23,415,133, G>T on the plus strand (C>A on the coding strand, the complement: MYH7 is on the minus strand). VCF-style: chr14-23415133-G-T. GRCh37 (hg19) VCF-style: chr14-23884342-G-T.
Other names: c.5421C>A (LRG_384t1).
Identifiers: ClinVar variation 507217 (VCV000507217.40), dbSNP rs142844109, ClinGen allele CA046739.